The following is an entry in ClinVar:

ClinVar aggregate classification (germline): Uncertain significance. Review status: criteria provided, multiple submitters, no conflicts (2 of 4 stars). 2 submissions from 2 submitters: Uncertain significance (2). Last evaluated 2025-07-18.

Conditions:
Inborn genetic diseases. Identifiers: MedGen C0950123, MeSH D030342.

Allele frequency attached by ClinVar (database versions not stated): TOPMed 0.00001.
gnomAD v4.1: 5 of 1,412,190 alleles (0.00035%); highest among the groups gnomAD compares: Non-Finnish European, 0.00046%; no homozygotes.

Submissions (2):

Ambry Genetics
Classification: Uncertain significance for Inborn genetic diseases. Last evaluated: 2025-07-18. Review status: criteria provided, single submitter. Criteria: Ambry Variant Classification Scheme 2023. Collection method: clinical testing. Allele origin: germline.

Greenwood Genetic Center Diagnostic Laboratories, Greenwood Genetic Center
Classification: Uncertain significance. Last evaluated: 2022-06-16. Review status: criteria provided, single submitter. Criteria: ACMG Guidelines, 2015. Collection method: clinical testing. Allele origin: germline. Affected: yes.
Comment: BP4

NM_020719.3(PRR12):c.3568G>T (p.Ala1190Ser)

Gene: PRR12 (proline rich 12; plus strand). Cytogenetic location: 19q13.33.
Variant type: single nucleotide variant.
Coding change: c.3568G>T on transcript NM_020719.3 (MANE Select); coding-DNA position 3568, G replaced by T.
Protein change: p.Ala1190Ser; replaces alanine 1190 with serine.
Molecular consequence: missense variant.
Genome position (GRCh38, 1-based): chr19:49,597,903, G>T. VCF-style: chr19-49597903-G-T. GRCh37 (hg19) VCF-style: chr19-50101160-G-T.
Other names: c.3568G>T (NM_020719.1); short protein forms A1190S.
Identifiers: ClinVar variation 1703121 (VCV001703121.4), dbSNP rs1236827128, ClinGen allele CA406885065.